The following is an entry in ClinVar:

ClinVar aggregate classification (germline): Uncertain significance (1 of 4 stars; one submission).

Conditions:
Spondylocostal dysostosis 3, autosomal recessive (SCDO3). Also called: LFNG-Related Spondylocostal Dysostosis, Autosomal Recessive. Identifiers: Orphanet 2311, MedGen C1853296, MONDO:0012349, OMIM 609813.

Submission:

Labcorp Genetics (formerly Invitae), Labcorp
Classification: Uncertain significance for Spondylocostal dysostosis 3, autosomal recessive. Last evaluated: 2021-09-26. Review status: criteria provided, single submitter. Criteria: Invitae Variant Classification Sherloc (09022015). Collection method: clinical testing. Allele origin: germline.
Comment: In summary, the available evidence is currently insufficient to determine the role of this variant in disease. Therefore, it has been classified as a Variant of Uncertain Significance. Algorithms developed to predict the effect of sequence changes on RNA splicing suggest that this variant may create or strengthen a splice site. Algorithms developed to predict the effect of missense changes on protein structure and function are either unavailable or do not agree on the potential impact of this missense change (SIFT: "Deleterious"; PolyPhen-2: "Probably Damaging"; Align-GVGD: "Class C0"). This variant has not been reported in the literature in individuals affected with LFNG-related conditions. This variant is not present in population databases (ExAC no frequency). This sequence change replaces threonine with lysine at codon 145 of the LFNG protein (p.Thr145Lys). The threonine residue is highly conserved and there is a moderate physicochemical difference between threonine and lysine.

NM_001040167.2(LFNG):c.434C>A (p.Thr145Lys)

Gene: LFNG (LFNG O-fucosylpeptide 3-beta-N-acetylglucosaminyltransferase; plus strand). Cytogenetic location: 7p22.3.
Variant type: single nucleotide variant.
Coding change: c.434C>A on transcript NM_001040167.2 (MANE Select); coding-DNA position 434, C replaced by A.
Protein change: p.Thr145Lys; replaces threonine 145 with lysine.
Molecular consequence: missense variant.
Genome position (GRCh38, 1-based): chr7:2,524,696, C>A. VCF-style: chr7-2524696-C-A. GRCh37 (hg19) VCF-style: chr7-2564330-C-A.
Other names: c.221C>A, p.Thr74Lys (NM_001166355.2); c.47C>A, p.Thr16Lys (NM_002304.3); c.434C>A, p.Thr145Lys (NM_001040168.2); short protein forms T145K, T74K, T16K.
Identifiers: ClinVar variation 1406994 (VCV001406994.6), dbSNP rs1413169361, ClinGen allele CA366615830.